The following is an entry in ClinVar:

NM_000455.5(STK11):c.559G>T (p.Gly187Cys)

Gene: STK11 (serine/threonine kinase 11; plus strand). Cytogenetic location: 19p13.3.
Variant type: single nucleotide variant.
Coding change: c.559G>T on transcript NM_000455.5 (MANE Select); coding-DNA position 559, G replaced by T.
Protein change: p.Gly187Cys; replaces glycine 187 with cysteine.
Molecular consequence: missense variant.
Genome position (GRCh38, 1-based): chr19:1,220,467, G>T. VCF-style: chr19-1220467-G-T. GRCh37 (hg19) VCF-style: chr19-1220466-G-T.
Other names: short protein forms G187C.
Identifiers: ClinVar variation 663386 (VCV000663386.8), dbSNP rs587782032, ClinGen allele CA402949177.

ClinVar aggregate classification (germline): Uncertain significance (1 of 4 stars; one submission).

Conditions:
Peutz-Jeghers syndrome (PJS). Also called: POLYPOSIS, HAMARTOMATOUS INTESTINAL; POLYPS-AND-SPOTS SYNDROME; Peutz-Jeghers polyposis; Periorificial lentiginosis syndrome. Identifiers: Orphanet 2869, MedGen C0031269, MeSH D010580, MONDO:0008280, OMIM 175200.

gnomAD v4.1: 1 of 1,607,094 alleles (0.000062%); highest among the groups gnomAD compares: South Asian, 0.0011%; no homozygotes.

Submission:

Labcorp Genetics (formerly Invitae), Labcorp
Classification: Uncertain significance for Peutz-Jeghers syndrome. Last evaluated: 2018-07-10. Review status: criteria provided, single submitter. Criteria: Invitae Variant Classification Sherloc (09022015). Collection method: clinical testing. Allele origin: germline.
Comment: This variant is not present in population databases (ExAC no frequency). This sequence change replaces glycine with cysteine at codon 187 of the STK11 protein (p.Gly187Cys). The glycine residue is weakly conserved and there is a large physicochemical difference between glycine and cysteine. This variant has not been reported in the literature in individuals with STK11-related disease. In summary, the available evidence is currently insufficient to determine the role of this variant in disease. Therefore, it has been classified as a Variant of Uncertain Significance. Algorithms developed to predict the effect of missense changes on protein structure and function are either unavailable or do not agree on the potential impact of this missense change (SIFT: "Deleterious"; PolyPhen-2: "Benign"; Align-GVGD: "Class C15").